The following is an entry in ClinVar:

NM_001378615.1(CC2D2A):c.2420G>A (p.Trp807Ter)

Genes: CC2D2A (coiled-coil and C2 domain containing 2A; plus strand), FBXL5 (F-box and leucine rich repeat protein 5; minus strand). Cytogenetic location: 4p15.32.
Variant type: single nucleotide variant.
Coding change: c.2420G>A on transcript NM_001378615.1 (MANE Select); coding-DNA position 2420, G replaced by A.
Protein change: p.Trp807Ter; replaces tryptophan 807 with a stop codon.
Molecular consequence: nonsense.
Genome position (GRCh38, 1-based): chr4:15,553,239, G>A. VCF-style: chr4-15553239-G-A. GRCh37 (hg19) VCF-style: chr4-15554862-G-A.
Other names: c.2420G>A, p.Trp807Ter (NM_001080522.2); c.2273G>A, p.Trp758Ter (NM_001378617.1); short protein forms W758*, W807*.
Identifiers: ClinVar variation 5015280 (VCV005015280.1).
Genomic context (GRCh38, chr4:15,553,239, plus strand): 5'-CTGATGGCAGTAACCAGCTGACTCTGATGACCTCAGGGAAAGTGTCTCATAGTGTGGCAT[G>A]GGCCATTGGAGAAAACGGGATACCTTTAATTCCTCCATTGTCACAGCAGAACATCGGATT-3'

ClinVar aggregate classification (germline): Pathogenic (1 of 4 stars; one submission).

Conditions:
Joubert syndrome and related disorders. Identifiers: Orphanet 140874, MedGen C5679612, MONDO:0015369.

Submission:

Myriad Genetics, Inc.
Classification: Pathogenic for Joubert syndrome and related disorders. Last evaluated: 2025-11-29. Review status: criteria provided, single submitter. Criteria: Myriad Autosomal Dominant, Autosomal Recessive and X-Linked Classification Criteria (2023). Collection method: clinical testing. Allele origin: unknown.
Comment: NM_001080522.2(CC2D2A):c.2420G>A(W807*) is expected to be pathogenic in the context of CC2D2A-related disorders. This variant is predicted to lead to an abnormal or absent protein product due to the creation of a premature termination codon in CC2D2A, a gene where loss-of-function variants are known to be pathogenic. Please note: this variant was assessed in the context of healthy population screening.